The following is an entry in ClinVar:

NM_000264.5(PTCH1):c.1939A>G (p.Ser647Gly)

Genes: PTCH1 (patched 1; minus strand), LOC100507346 (uncharacterized LOC100507346; plus strand). Cytogenetic location: 9q22.32.
Variant type: single nucleotide variant.
Coding change: c.1939A>G on transcript NM_000264.5 (MANE Select); coding-DNA position 1939, A replaced by G.
Protein change: p.Ser647Gly; replaces serine 647 with glycine.
Molecular consequence: missense variant. On other transcripts: non-coding transcript variant (2).
Genome position (GRCh38, 1-based): chr9:95,469,062, T>C on the plus strand (A>G on the coding strand, the complement: PTCH1 is on the minus strand). VCF-style: chr9-95469062-T-C. GRCh37 (hg19) VCF-style: chr9-98231344-T-C.
Other names: c.1741A>G, p.Ser581Gly (NM_001083602.3); c.1936A>G, p.Ser646Gly (NM_001083603.3); c.1486A>G, p.Ser496Gly (NM_001083604.3, NM_001083605.3, NM_001083606.3 and 1 more transcripts); c.1783A>G, p.Ser595Gly (NM_001354918.2); short protein forms S646G, S647G, S496G, S595G, S581G.
Identifiers: ClinVar variation 5027538 (VCV005027538.1).
Genomic context (GRCh38, chr9:95,469,062, plus strand): 5'-CCGTGCGGAGCTGGACAGTGGACTGCATGGTAATCTGCGTTTCATGGGCAAAGCTGTGGC[T>C]GCTGTAGGGAGGTGGGGGGCTGTAGCGGGTATTGTCGTGTGTGTCGGTGTAGGCCTGAGG-3'
Protein context (NP_000255.2, residues 637-657): TRYSPPPPYS[Ser647Gly]HSFAHETQIT

ClinVar aggregate classification (germline): Uncertain significance (1 of 4 stars; one submission).

Conditions:
Hereditary cancer-predisposing syndrome. Also called: Neoplastic Syndromes, Hereditary; Tumor predisposition; Hereditary neoplastic syndrome; Hereditary Cancer Syndrome. Identifiers: Orphanet 140162, MedGen C0027672, MeSH D009386, MONDO:0015356.

gnomAD v4.1: 2 of 1,613,882 alleles (0.00012%); highest among the groups gnomAD compares: Non-Finnish European, 0.00017%; no homozygotes.

Submission:

Ambry Genetics
Classification: Uncertain significance for Hereditary cancer-predisposing syndrome. Last evaluated: 2026-08-11. Review status: criteria provided, single submitter. Criteria: Ambry Variant Classification Scheme 2023. Collection method: clinical testing. Allele origin: germline.
Comment: The p.S647G variant (also known as c.1939A>G), located in coding exon 14 of the PTCH1 gene, results from an A to G substitution at nucleotide position 1939. The serine at codon 647 is replaced by glycine, an amino acid with similar properties. This amino acid position is conserved. In addition, the in silico prediction for this alteration is inconclusive. Based on the available evidence, the clinical significance of this variant remains unclear.